The following is an entry in ClinVar:

ClinVar aggregate classification (germline): Benign/Likely benign. Review status: criteria provided, multiple submitters, no conflicts (2 of 4 stars). 4 submissions from 4 submitters: Benign (2); Likely benign (2). Last evaluated 2025-11-27.

Conditions:
Mulibrey nanism syndrome. Also called: PERHEENTUPA SYNDROME; PERICARDIAL CONSTRICTION AND GROWTH FAILURE; MUSCLE-LIVER-BRAIN-EYE NANISM. Identifiers: Orphanet 2576, MedGen C0524582, MONDO:0009664, OMIM 253250.

Allele frequency attached by ClinVar (database versions not stated): gnomAD exomes 0.00023 and 0.00068; ExAC 0.00094; 1000 Genomes Project 0.00220; 1000 Genomes Project 30x 0.00234; gnomAD 0.00237 and 0.00253; TOPMed 0.00272; ESP Exome Variant Server 0.00323.
gnomAD v4.1: 732 of 1,614,100 alleles (0.045%); highest among the groups gnomAD compares: African/African-American, 0.81%; 6 homozygotes.

Submissions (4):

Labcorp Genetics (formerly Invitae), Labcorp
Classification: Benign. Last evaluated: 2025-11-27. Review status: criteria provided, single submitter. Criteria: Invitae Variant Classification Sherloc (09022015). Collection method: clinical testing. Allele origin: germline.

Blueprint Genetics
Classification: Likely benign. Last evaluated: 2024-11-26. Review status: criteria provided, single submitter. Criteria: ACMG Guidelines, 2015. Collection method: clinical testing. Allele origin: germline.

Illumina Laboratory Services, Illumina
Classification: Likely benign for Mulibrey nanism syndrome. Last evaluated: 2018-01-13. Review status: criteria provided, single submitter. Criteria: ICSL Variant Classification Criteria 13 December 2019. Collection method: clinical testing. Allele origin: germline.
Comment: This variant was observed in the ICSL laboratory as part of a predisposition screen in an ostensibly healthy population. It had not been previously curated by ICSL or reported in the Human Gene Mutation Database (HGMD: prior to June 1st, 2018), and was therefore a candidate for classification through an automated scoring system. Utilizing variant allele frequency, disease prevalence and penetrance estimates, and inheritance mode, an automated score was calculated to assess if this variant is too frequent to cause the disease. Based on the score and internal cut-off values, a variant classified as likely benign is not then subjected to further curation. The score for this variant resulted in a classification of likely benign for this disease.

Eurofins Ntd Llc (ga)
Classification: Benign. Last evaluated: 2015-05-26. Review status: criteria provided, single submitter. Criteria: EGL Classification Definitions 2015. Collection method: clinical testing. Allele origin: germline.

NM_015294.6(TRIM37):c.2049C>T (p.Ala683=)

Gene: TRIM37 (tripartite motif containing 37; minus strand). Cytogenetic location: 17q22.
Variant type: single nucleotide variant.
Coding change: c.2049C>T on transcript NM_015294.6 (MANE Select); coding-DNA position 2049, C replaced by T.
Protein change: p.Ala683=; no amino-acid change (alanine 683 retained).
Molecular consequence: synonymous variant. On other transcripts: non-coding transcript variant (2).
Genome position (GRCh38, 1-based): chr17:59,028,623, G>A on the plus strand (C>T on the coding strand, the complement: TRIM37 is on the minus strand). VCF-style: chr17-59028623-G-A. GRCh37 (hg19) VCF-style: chr17-57105984-G-A.
Other names: c.2049C>T, p.Ala683= (NM_001005207.5, NM_001320988.3, NM_001320989.3 and 1 more transcripts); c.1947C>T, p.Ala649= (NM_001320987.3, NM_001353082.2); c.1683C>T, p.Ala561= (NM_001320990.3); c.1314C>T, p.Ala438= (NM_001353083.2); c.1587C>T, p.Ala529= (NM_001353085.2); c.1998C>T, p.Ala666= (NM_001353086.2).
Identifiers: ClinVar variation 194971 (VCV000194971.19), dbSNP rs35871562, ClinGen allele CA201461.